The following is an entry in ClinVar:

NM_001127222.2(CACNA1A):c.5015G>A (p.Arg1672His)

Gene: CACNA1A (calcium voltage-gated channel subunit alpha1 A; minus strand). Cytogenetic location: 19p13.13.
Variant type: single nucleotide variant.
Coding change: c.5015G>A on transcript NM_001127222.2 (MANE Select); coding-DNA position 5015, G replaced by A.
Protein change: p.Arg1672His; replaces arginine 1672 with histidine.
Molecular consequence: missense variant.
Genome position (GRCh38, 1-based): chr19:13,235,666, C>T on the plus strand (G>A on the coding strand, the complement: CACNA1A is on the minus strand). VCF-style: chr19-13235666-C-T. GRCh37 (hg19) VCF-style: chr19-13346480-C-T.
Other names: c.5033G>A, p.Arg1678His (NM_000068.4, NM_023035.3); c.5018G>A, p.Arg1673His (NM_001127221.2); c.5024G>A, p.Arg1675His (NM_001174080.2); short protein forms R1672H, R1673H, R1675H, R1678H.
Identifiers: ClinVar variation 1305943 (VCV001305943.5), dbSNP rs1057519429, ClinGen allele CA404336785.

ClinVar aggregate classification (germline): Conflicting classifications of pathogenicity. Review status: criteria provided, conflicting classifications (1 of 4 stars). 3 submissions from 3 submitters: Likely pathogenic (1); Uncertain significance (2). Last evaluated 2025-10-16.

Conditions:
Developmental and epileptic encephalopathy, 42 (DEE42A). Also called: Epileptic encephalopathy, early infantile, 42; DEVELOPMENTAL AND EPILEPTIC ENCEPHALOPATHY 42A; EPILEPTIC ENCEPHALOPATHY, EARLY INFANTILE, 42A. Identifiers: MedGen C4310716, MONDO:0014917, OMIM 617106.
Episodic ataxia type 2 (EA2). Also called: ATAXIA, EPISODIC, WITH NYSTAGMUS; ATAXIA, FAMILIAL PAROXYSMAL; CEREBELLAR ATAXIA, PAROXYSMAL, ACETAZOLAMIDE-RESPONSIVE; CEREBELLOPATHY, HEREDITARY PAROXYSMAL; EPISODIC ATAXIA, NYSTAGMUS-ASSOCIATED; ACETAZOLAMIDE-RESPONSIVE HEREDITARY PAROXYSMAL CEREBELLAR ATAXIA. Identifiers: Orphanet 97, MedGen C1720416, MONDO:0007163, OMIM 108500.

Allele frequency attached by ClinVar (database versions not stated): gnomAD exomes below 0.00001; TOPMed below 0.00001; gnomAD 0.00001.
gnomAD v4.1: 5 of 1,613,776 alleles (0.00031%); highest among the groups gnomAD compares: South Asian, 0.0011%; no homozygotes.

Submissions (3):

Labcorp Genetics (formerly Invitae), Labcorp
Classification: Likely pathogenic for Developmental and epileptic encephalopathy, 42; Episodic ataxia type 2. Last evaluated: 2025-10-16. Review status: criteria provided, single submitter. Criteria: Invitae Variant Classification Sherloc (09022015). Collection method: clinical testing. Allele origin: germline.
Comment: This sequence change replaces arginine, which is basic and polar, with histidine, which is basic and polar, at codon 1673 of the CACNA1A protein (p.Arg1673His). This variant is present in population databases (no rsID available, gnomAD 0.007%). This missense change has been observed in individual(s) with CACNA1A-related conditions (internal data). ClinVar contains an entry for this variant (Variation ID: 1305943). Invitae Evidence Modeling of protein sequence and biophysical properties (such as structural, functional, and spatial information, amino acid conservation, physicochemical variation, residue mobility, and thermodynamic stability) indicates that this missense variant is expected to disrupt CACNA1A protein function with a positive predictive value of 95%. This variant disrupts the p.Arg1673 amino acid residue in CACNA1A. Other variant(s) that disrupt this residue have been determined to be pathogenic (PMID: 28742085, 31015257). This suggests that this residue is clinically significant, and that variants that disrupt this residue are likely to be disease-causing. In summary, the currently available evidence indicates that the variant is pathogenic, but additional data are needed to prove that conclusively. Therefore, this variant has been classified as Likely Pathogenic.

GeneDx
Classification: Uncertain significance. Last evaluated: 2019-05-16. Review status: criteria provided, single submitter. Criteria: GeneDx Variant Classification Process June 2021. Collection method: clinical testing. Allele origin: germline. Affected: yes.
Comment: In silico analysis, which includes protein predictors and evolutionary conservation, supports a deleterious effect; Has not been previously published as pathogenic or benign to our knowledge

CENTOGENE GmbH and LLC - Guiding Precision Medicine
Classification: Uncertain significance for Developmental and epileptic encephalopathy, 42. Last evaluated: 2018-05-24. Review status: criteria provided, single submitter. Criteria: ACMG Guidelines, 2015. Collection method: clinical testing. Allele origin: germline. Affected: yes.

Literature cited by the submitters: PubMed 28742085 (cited by Labcorp Genetics (formerly Invitae), Labcorp); PubMed 31015257 (cited by Labcorp Genetics (formerly Invitae), Labcorp).